The following is an entry in ClinVar:

NM_001429.4(EP300):c.6551GAC[1] (p.Arg2185del)

Gene: EP300 (EP300 lysine acetyltransferase; plus strand). Cytogenetic location: 22q13.2.
Variant type: Microsatellite.
Coding change: c.6551GAC[1] on transcript NM_001429.4 (MANE Select); one copy of the 3-base unit GAC starting at c.6551; the reference has two copies in a row; one copy, 3 bases deleted.
Protein change: p.Arg2185del; deletes arginine 2185.
Molecular consequence: inframe deletion.
Genome position (GRCh38, 1-based): chr22:41,178,265-41,178,267, GAC deleted; deleting any 3 consecutive bases within chr22:41,178,262-41,178,267 gives the same sequence; the position shown is the placement nearest the transcript's 3' end. VCF-style (leftmost placement, unchanged base first): chr22-41178261-AGAC-A. GRCh37 (hg19) VCF-style: chr22-41574265-AGAC-A.
Other names: c.6473GAC[1], p.Arg2159del (NM_001362843.2); short protein forms R2159del, R2185del.
Identifiers: ClinVar variation 4686302 (VCV004686302.1).

ClinVar aggregate classification (germline): Uncertain significance (1 of 4 stars; one submission).

Submission:

GeneDx
Classification: Uncertain significance. Last evaluated: 2025-07-15. Review status: criteria provided, single submitter. Criteria: GeneDx Variant Classification Process June 2021. Collection method: clinical testing. Allele origin: germline. Affected: yes.
Comment: Not observed at significant frequency in large population cohorts (gnomAD); In-frame deletion of 1 amino acid(s) in a non-repeat region; In silico analysis suggests that this variant does not alter protein structure/function; Has not been previously published as pathogenic or benign to our knowledge